The following is an entry in ClinVar:

ClinVar aggregate classification (germline): Uncertain significance. Review status: criteria provided, multiple submitters, no conflicts (2 of 4 stars). 2 submissions from 2 submitters: Uncertain significance (2). Last evaluated 2024-02-28.

Allele frequency attached by ClinVar (database versions not stated): TOPMed below 0.00001; gnomAD exomes 0.00001.
gnomAD v4.1: 2 of 1,405,720 alleles (0.00014%); highest among the groups gnomAD compares: Non-Finnish European, 0.00018%; no homozygotes.

Submissions (2):

Ambry Genetics
Classification: Uncertain significance. Last evaluated: 2024-02-28. Review status: criteria provided, single submitter. Criteria: Ambry Variant Classification Scheme 2023. Collection method: clinical testing. Allele origin: germline.

Labcorp Genetics (formerly Invitae), Labcorp
Classification: Uncertain significance. Last evaluated: 2022-02-22. Review status: criteria provided, single submitter. Criteria: Invitae Variant Classification Sherloc (09022015). Collection method: clinical testing. Allele origin: germline.
Comment: In summary, the available evidence is currently insufficient to determine the role of this variant in disease. Therefore, it has been classified as a Variant of Uncertain Significance. Algorithms developed to predict the effect of missense changes on protein structure and function are either unavailable or do not agree on the potential impact of this missense change (SIFT: "Tolerated"; PolyPhen-2: "Probably Damaging"; Align-GVGD: "Class C0"). This variant has not been reported in the literature in individuals affected with SAMD11-related conditions. This variant is not present in population databases (gnomAD no frequency). This sequence change replaces alanine, which is neutral and non-polar, with threonine, which is neutral and polar, at codon 360 of the SAMD11 protein (p.Ala360Thr).

NM_001385641.1(SAMD11):c.1567G>A (p.Ala523Thr)

Gene: SAMD11 (sterile alpha motif domain containing 11; plus strand). Cytogenetic location: 1p36.33.
Variant type: single nucleotide variant.
Coding change: c.1567G>A on transcript NM_001385641.1 (MANE Select); coding-DNA position 1567, G replaced by A.
Protein change: p.Ala523Thr; replaces alanine 523 with threonine.
Molecular consequence: missense variant.
Genome position (GRCh38, 1-based): chr1:942,572, G>A. VCF-style: chr1-942572-G-A. GRCh37 (hg19) VCF-style: chr1-877952-G-A.
Other names: c.1570G>A, p.Ala524Thr (NM_001385640.1); c.1078G>A, p.Ala360Thr (NM_152486.4); c.1078G>A (NM_152486.2); short protein forms A523T, A524T, A360T.
Identifiers: ClinVar variation 1925806 (VCV001925806.4), dbSNP rs754095840, ClinGen allele CA502968.
Genomic context (GRCh38, chr1:942,572, plus strand): 5'-GCCGCGCGGCCCGGGAGGCGGCTGACCCGCGTCTGCCCCCGGCCCAGGCTGGAGCTGCCC[G>A]CCGACCTCCTGCGGCAGAAGGAGCTGGAGAGCGCGCGCCCACAGCTGCTGGCGCCCGAGA-3'
Protein context (NP_001372570.1, residues 513-533): KQNLARLELP[Ala523Thr]DLLRQKELES